The following is an entry in ClinVar:

NM_004821.3(HAND1):c.496C>T (p.Leu166Phe)

Gene: HAND1 (heart and neural crest derivatives expressed 1; minus strand). Cytogenetic location: 5q33.2.
Variant type: single nucleotide variant.
Coding change: c.496C>T on transcript NM_004821.3 (MANE Select); coding-DNA position 496, C replaced by T.
Protein change: p.Leu166Phe; replaces leucine 166 with phenylalanine.
Molecular consequence: missense variant.
Genome position (GRCh38, 1-based): chr5:154,477,513, G>A on the plus strand (C>T on the coding strand, the complement: HAND1 is on the minus strand). VCF-style: chr5-154477513-G-A. GRCh37 (hg19) VCF-style: chr5-153857073-G-A.
Other names: short protein forms L166F.
Identifiers: ClinVar variation 1433570 (VCV001433570.8), dbSNP rs2113303062, ClinGen allele CA361921668.

ClinVar aggregate classification (germline): Uncertain significance (1 of 4 stars; one submission).

Conditions:
Hypoplastic left heart syndrome. Also called: Hypoplastic left ventricle; Hypoplastic left heart. Identifiers: Orphanet 2248, MedGen C0152101, MONDO:0004933, HP:0004383.

Allele frequency attached by ClinVar (database versions not stated): gnomAD exomes below 0.00001.

Submission:

Labcorp Genetics (formerly Invitae), Labcorp
Classification: Uncertain significance for Hypoplastic left heart syndrome. Last evaluated: 2021-03-07. Review status: criteria provided, single submitter. Criteria: Invitae Variant Classification Sherloc (09022015). Collection method: clinical testing. Allele origin: germline.
Comment: In summary, the available evidence is currently insufficient to determine the role of this variant in disease. Therefore, it has been classified as a Variant of Uncertain Significance. Algorithms developed to predict the effect of missense changes on protein structure and function are either unavailable or do not agree on the potential impact of this missense change (SIFT: "Deleterious"; PolyPhen-2: "Benign"; Align-GVGD: "Class C0"). This variant has not been reported in the literature in individuals with HAND1-related conditions. This variant is not present in population databases (ExAC no frequency). This sequence change replaces leucine with phenylalanine at codon 166 of the HAND1 protein (p.Leu166Phe). The leucine residue is highly conserved and there is a small physicochemical difference between leucine and phenylalanine.